The following is an entry in ClinVar:

ClinVar aggregate classification (germline): Uncertain significance (1 of 4 stars; one submission).

Conditions:
Glycogen storage disease type III (GSD3). Also called: Cori disease; FORBES DISEASE. Identifiers: Orphanet 366, MedGen C0017922, MONDO:0009291, OMIM 232400.

Allele frequency attached by ClinVar (database versions not stated): gnomAD 0.00001.

Submission:

Labcorp Genetics (formerly Invitae), Labcorp
Classification: Uncertain significance for Glycogen storage disease type III. Last evaluated: 2022-07-25. Review status: criteria provided, single submitter. Criteria: Invitae Variant Classification Sherloc (09022015). Collection method: clinical testing. Allele origin: germline.
Comment: This sequence change replaces tyrosine, which is neutral and polar, with cysteine, which is neutral and slightly polar, at codon 831 of the AGL protein (p.Tyr831Cys). This variant is not present in population databases (gnomAD no frequency). This variant has not been reported in the literature in individuals affected with AGL-related conditions. Algorithms developed to predict the effect of missense changes on protein structure and function are either unavailable or do not agree on the potential impact of this missense change (SIFT: "Tolerated"; PolyPhen-2: "Possibly Damaging"; Align-GVGD: "Class C0"). In summary, the available evidence is currently insufficient to determine the role of this variant in disease. Therefore, it has been classified as a Variant of Uncertain Significance.

NM_000642.3(AGL):c.2492A>G (p.Tyr831Cys)

Gene: AGL (amylo-alpha-1,6-glucosidase and 4-alpha-glucanotransferase; plus strand). Cytogenetic location: 1p21.2.
Variant type: single nucleotide variant.
Coding change: c.2492A>G on transcript NM_000642.3 (MANE Select); coding-DNA position 2492, A replaced by G.
Protein change: p.Tyr831Cys; replaces tyrosine 831 with cysteine.
Molecular consequence: missense variant.
Genome position (GRCh38, 1-based): chr1:99,884,397, A>G. VCF-style: chr1-99884397-A-G. GRCh37 (hg19) VCF-style: chr1-100349953-A-G.
Other names: c.2492A>G, p.Tyr831Cys (NM_000028.3, NM_000643.3, NM_000644.3 and 2 more transcripts); c.2444A>G, p.Tyr815Cys (NM_000646.3); c.2291A>G, p.Tyr764Cys (NM_001425327.1); c.2288A>G, p.Tyr763Cys (NM_001425328.1, NM_001425329.1); c.2114A>G, p.Tyr705Cys (NM_001425332.1); short protein forms Y815C, Y831C, Y705C, Y763C, Y764C.
Identifiers: ClinVar variation 1713742 (VCV001713742.3), dbSNP rs1652286909, ClinGen allele CA341321227.